The following is an entry in ClinVar:

NM_002439.5(MSH3):c.1222T>C (p.Ser408Pro)

Gene: MSH3 (mutS homolog 3; plus strand). Cytogenetic location: 5q14.1.
Variant type: single nucleotide variant.
Coding change: c.1222T>C on transcript NM_002439.5 (MANE Select); coding-DNA position 1222, T replaced by C.
Protein change: p.Ser408Pro; replaces serine 408 with proline.
Molecular consequence: missense variant.
Genome position (GRCh38, 1-based): chr5:80,678,975, T>C. VCF-style: chr5-80678975-T-C. GRCh37 (hg19) VCF-style: chr5-79974794-T-C.
Other names: short protein forms S408P.
Identifiers: ClinVar variation 4654988 (VCV004654988.1).

ClinVar aggregate classification (germline): Uncertain significance (1 of 4 stars; one submission).

Conditions:
Hereditary cancer-predisposing syndrome. Also called: Neoplastic Syndromes, Hereditary; Tumor predisposition; Hereditary Cancer Syndrome; Hereditary neoplastic syndrome. Identifiers: Orphanet 140162, MedGen C0027672, MeSH D009386, MONDO:0015356.

Submission:

Ambry Genetics
Classification: Uncertain significance for Hereditary cancer-predisposing syndrome. Last evaluated: 2025-12-03. Review status: criteria provided, single submitter. Criteria: Ambry Variant Classification Scheme 2023. Collection method: clinical testing. Allele origin: germline.
Comment: The p.S408P variant (also known as c.1222T>C), located in coding exon 8 of the MSH3 gene, results from a T to C substitution at nucleotide position 1222. The serine at codon 408 is replaced by proline, an amino acid with similar properties. This amino acid position is conserved. In addition, the in silico prediction for this alteration is inconclusive. Based on the available evidence, the clinical significance of this variant remains unclear.